The following is an entry in ClinVar:

ClinVar aggregate classification (germline): Uncertain significance (1 of 4 stars; one submission).

gnomAD v4.1: 2 of 1,614,004 alleles (0.00012%); highest among the groups gnomAD compares: Non-Finnish European, 0.00017%; no homozygotes.

Submission:

GeneDx
Classification: Uncertain significance. Last evaluated: 2025-07-08. Review status: criteria provided, single submitter. Criteria: GeneDx Variant Classification Process June 2021. Collection method: clinical testing. Allele origin: germline. Affected: yes.
Comment: Not observed at significant frequency in large population cohorts (gnomAD); In silico analysis supports that this missense variant has a deleterious effect on protein structure/function; Has not been previously published as pathogenic or benign to our knowledge

NM_001394062.1(MACF1):c.19469A>G (p.Tyr6490Cys)

Gene: MACF1 (microtubule actin crosslinking factor 1; plus strand). Cytogenetic location: 1p34.3.
Variant type: single nucleotide variant.
Coding change: c.19469A>G on transcript NM_001394062.1 (MANE Select); coding-DNA position 19469, A replaced by G.
Protein change: p.Tyr6490Cys; replaces tyrosine 6490 with cysteine.
Molecular consequence: missense variant.
Genome position (GRCh38, 1-based): chr1:39,444,699, A>G. VCF-style: chr1-39444699-A-G. GRCh37 (hg19) VCF-style: chr1-39910371-A-G.
Other names: c.7547A>G, p.Tyr2516Cys (NM_001397473.1); c.13292A>G, p.Tyr4431Cys (NM_012090.5); short protein forms Y2516C, Y4431C, Y6490C.
Identifiers: ClinVar variation 4685442 (VCV004685442.1).